The following is an entry in ClinVar:

ClinVar aggregate classification (germline): Uncertain significance (1 of 4 stars; one submission).

gnomAD v4.1: 1 of 1,598,428 alleles (0.000063%); highest among the groups gnomAD compares: Non-Finnish European, 0.000085%; no homozygotes.

Submission:

Labcorp Genetics (formerly Invitae), Labcorp
Classification: Uncertain significance. Last evaluated: 2020-10-23. Review status: criteria provided, single submitter. Criteria: Invitae Variant Classification Sherloc (09022015). Collection method: clinical testing. Allele origin: germline.
Comment: In summary, the available evidence is currently insufficient to determine the role of this variant in disease. Therefore, it has been classified as a Variant of Uncertain Significance. Algorithms developed to predict the effect of missense changes on protein structure and function are either unavailable or do not agree on the potential impact of this missense change (SIFT: "Tolerated"; PolyPhen-2: "Probably Damaging"; Align-GVGD: "Class C0"). This variant has not been reported in the literature in individuals with SZT2-related conditions. This variant is not present in population databases (ExAC no frequency). This sequence change replaces arginine with glycine at codon 343 of the SZT2 protein (p.Arg343Gly). The arginine residue is weakly conserved and there is a moderate physicochemical difference between arginine and glycine.

NM_001365999.1(SZT2):c.1027C>G (p.Arg343Gly)

Gene: SZT2 (SZT2 subunit of KICSTOR complex; plus strand). Cytogenetic location: 1p34.2.
Variant type: single nucleotide variant.
Coding change: c.1027C>G on transcript NM_001365999.1 (MANE Select); coding-DNA position 1027, C replaced by G.
Protein change: p.Arg343Gly; replaces arginine 343 with glycine.
Molecular consequence: missense variant.
Genome position (GRCh38, 1-based): chr1:43,419,881, C>G. VCF-style: chr1-43419881-C-G. GRCh37 (hg19) VCF-style: chr1-43885552-C-G.
Other names: c.1027C>G, p.Arg343Gly (NM_015284.4); short protein forms R343G.
Identifiers: ClinVar variation 1059154 (VCV001059154.9), dbSNP rs767336909, ClinGen allele CA340006162.